The following is an entry in ClinVar:

NM_000051.4(ATM):c.7561T>G (p.Tyr2521Asp)

Genes: ATM (ATM serine/threonine kinase; plus strand), C11orf65 (chromosome 11 open reading frame 65; minus strand). Cytogenetic location: 11q22.3.
Variant type: single nucleotide variant.
Coding change: c.7561T>G on transcript NM_000051.4 (MANE Select); coding-DNA position 7561, T replaced by G.
Protein change: p.Tyr2521Asp; replaces tyrosine 2521 with aspartic acid.
Molecular consequence: missense variant. On other transcripts: non-coding transcript variant (1), intron variant (2).
Genome position (GRCh38, 1-based): chr11:108,331,489, T>G. VCF-style: chr11-108331489-T-G. GRCh37 (hg19) VCF-style: chr11-108202216-T-G.
Other names: c.7561T>G, p.Tyr2521Asp (NM_001351834.2); c.641-22418A>C (NM_001330368.2); c.*38+3731A>C (NM_001351110.2); short protein forms Y2521D.
Identifiers: ClinVar variation 1387199 (VCV001387199.7), dbSNP rs2136493941, ClinGen allele CA382560731.

ClinVar aggregate classification (germline): Uncertain significance (1 of 4 stars; one submission).

Conditions:
Ataxia-telangiectasia syndrome (AT). Also called: Ataxia-telangiectasia; LOUIS-BAR SYNDROME; Ataxia-telangiectasia, complementation group D; AT, COMPLEMENTATION GROUP C; ATAXIA-TELANGIECTASIA, COMPLEMENTATION GROUP A; ATAXIA-TELANGIECTASIA, FRESNO VARIANT. Identifiers: Orphanet 100, MedGen C0004135, MONDO:0008840, OMIM 208900.

Submission:

Labcorp Genetics (formerly Invitae), Labcorp
Classification: Uncertain significance for Ataxia-telangiectasia syndrome. Last evaluated: 2021-08-09. Review status: criteria provided, single submitter. Criteria: Invitae Variant Classification Sherloc (09022015). Collection method: clinical testing. Allele origin: germline.
Comment: In summary, the available evidence is currently insufficient to determine the role of this variant in disease. Therefore, it has been classified as a Variant of Uncertain Significance. Algorithms developed to predict the effect of missense changes on protein structure and function (SIFT, PolyPhen-2, Align-GVGD) all suggest that this variant is likely to be disruptive. This variant has not been reported in the literature in individuals affected with ATM-related conditions. This variant is not present in population databases (ExAC no frequency). This sequence change replaces tyrosine with aspartic acid at codon 2521 of the ATM protein (p.Tyr2521Asp). The tyrosine residue is highly conserved and there is a large physicochemical difference between tyrosine and aspartic acid.